The following is an entry in ClinVar:

NM_014489.4(PGAP2):c.610G>A (p.Glu204Lys)

Gene: PGAP2 (post-GPI attachment to proteins 2; plus strand). Cytogenetic location: 11p15.4.
Variant type: single nucleotide variant.
Coding change: c.610G>A on transcript NM_014489.4 (MANE Select); coding-DNA position 610, G replaced by A.
Protein change: p.Glu204Lys; replaces glutamic acid 204 with lysine.
Molecular consequence: missense variant. On other transcripts: non-coding transcript variant (15).
Genome position (GRCh38, 1-based): chr11:3,824,278, G>A. VCF-style: chr11-3824278-G-A. GRCh37 (hg19) VCF-style: chr11-3845508-G-A.
Other names: c.427G>A, p.Glu143Lys (NM_001145438.3, NM_001256237.2, NM_001256238.2 and 7 more transcripts); c.481G>A, p.Glu161Lys (NM_001256235.2); c.610G>A, p.Glu204Lys (NM_001256236.2, NM_001346403.1); c.350G>A, p.Arg117Gln (NM_001283039.2); c.170G>A, p.Arg57Gln (NM_001283040.1); c.580G>A, p.Glu194Lys (NM_001346397.2); c.437G>A, p.Arg146Gln (NM_001346399.2, NM_001346401.2); c.547G>A, p.Glu183Lys (NM_001346402.2); short protein forms E261K, E204K, R146Q, E143K, E183K, E194K, R57Q, E161K.
Identifiers: ClinVar variation 3211651 (VCV003211651.3), dbSNP rs139509051, ClinGen allele CA5829830.

ClinVar aggregate classification (germline): Uncertain significance. Review status: criteria provided, multiple submitters, no conflicts (2 of 4 stars). 2 submissions from 2 submitters: Uncertain significance (2). Last evaluated 2025-12-08.

Conditions:
Inborn genetic diseases. Identifiers: MedGen C0950123, MeSH D030342.

Allele frequency attached by ClinVar (database versions not stated): ExAC 0.00007; ESP Exome Variant Server 0.00023; TOPMed 0.00008; 1000 Genomes Project 30x 0.00047; 1000 Genomes Project 0.00040; gnomAD 0.00005.
gnomAD v4.1: 53 of 1,614,158 alleles (0.0033%); highest among the groups gnomAD compares: Admixed American, 0.013%; no homozygotes.

Submissions (2):

Labcorp Genetics (formerly Invitae), Labcorp
Classification: Uncertain significance. Last evaluated: 2025-12-08. Review status: criteria provided, single submitter. Criteria: Invitae Variant Classification Sherloc (09022015). Collection method: clinical testing. Allele origin: germline.
Comment: This sequence change replaces glutamic acid, which is acidic and polar, with lysine, which is basic and polar, at codon 143 of the PGAP2 protein (p.Glu143Lys). This variant is present in population databases (rs139509051, gnomAD 0.02%). This variant has not been reported in the literature in individuals affected with PGAP2-related conditions. ClinVar contains an entry for this variant (Variation ID: 3211651). Invitae Evidence Modeling of protein sequence and biophysical properties (such as structural, functional, and spatial information, amino acid conservation, physicochemical variation, residue mobility, and thermodynamic stability) indicates that this missense variant is not expected to disrupt PGAP2 protein function with a negative predictive value of 80%. In summary, the available evidence is currently insufficient to determine the role of this variant in disease. Therefore, it has been classified as a Variant of Uncertain Significance.

Ambry Genetics
Classification: Uncertain significance for Inborn genetic diseases. Last evaluated: 2024-01-31. Review status: criteria provided, single submitter. Criteria: Ambry Variant Classification Scheme 2023. Collection method: clinical testing. Allele origin: germline.